The following is an entry in ClinVar:

NM_000474.4(TWIST1):c.518del (p.Ala173fs)

Genes: TWIST1 (twist family bHLH transcription factor 1; minus strand), LOC129998021 (ATAC-STARR-seq lymphoblastoid active region 25682; plus strand). Cytogenetic location: 7p21.1.
Variant type: Deletion.
Coding change: c.518del on transcript NM_000474.4 (MANE Select); coding-DNA position 518, one base deleted (C; older notation c.518delC).
Protein change: p.Ala173fs; shifts the reading frame from alanine 173.
Molecular consequence: frameshift variant. On other transcripts: non-coding transcript variant (1).
Genome position (GRCh38, 1-based): chr7:19,116,804, G deleted on the plus strand (C on the coding strand, the reverse complement: TWIST1 is on the minus strand). VCF-style (leftmost placement, unchanged base first): chr7-19116803-TG-T. GRCh37 (hg19) VCF-style: chr7-19156426-TG-T.
Other names: short protein forms A173fs.
Identifiers: ClinVar variation 1679672 (VCV001679672.1), dbSNP rs2115396502, ClinGen allele CA2573142037.

ClinVar aggregate classification (germline): Uncertain significance (1 of 4 stars; one submission).

Conditions:
TWIST1-related craniosynostosis (CRS1). Also called: CRANIOSYNOSTOSIS 1. Identifiers: Orphanet 63440, MedGen C4551902, MONDO:0007399, OMIM 123100. Inheritance: Heterogenous inheritance pattern.
Saethre-Chotzen syndrome (SCS). Also called: CHOTZEN SYNDROME; ACROCEPHALY, SKULL ASYMMETRY, AND MILD SYNDACTYLY; ACS III. Identifiers: Orphanet 794, MedGen C0175699, MONDO:0007042, OMIM 101400.

Submission:

New York Genome Center
Classification: Uncertain significance for TWIST1-related craniosynostosis; Saethre-Chotzen syndrome. Last evaluated: 2021-07-02. Review status: criteria provided, single submitter. Criteria: NYGC Assertion Criteria 2020. Collection method: clinical testing. Allele origin: germline. Observed: 1 heterozygote. Study: CSER-NYCKidSeq.
Comment: The heterozygous one nucleotide deletion c.518del (p.Ala173GlufsTer58) identified in the TWIST1 gene alters the wild-type translational reading frame and introduces a premature translation termination codon. The TWIST1 gene has a single protein-coding exon, therefore, it is difficult to predict whether the mutant mRNA is subjected to nonsense-mediated mRNA decay. If translated, the mutant protein is expected to have a total of 230 amino acids (compared to wildtype protein which has 202 amino acids), of which the last 58 amino acid sequence would be unique to the mutant protein. The variant is absent from gnomAD(v3)database suggesting it is not a common benign variant in the populations represented in that database. The c.518del (p.Ala173GlufsTer58) variant has not been reported in affected individuals in the literature. The available evidence is currently insufficient to determine the role of this variant in disease. Therefore, the heterozygous one nucleotide deletion c.518del (p.Ala173GlufsTer58) identified in the TWIST1 gene is reported as a Variant of Uncertain Significance.